The following is an entry in ClinVar:

NM_177438.3(DICER1):c.2988-20_2988del

Gene: DICER1 (dicer 1, ribonuclease III; minus strand). Cytogenetic location: 14q32.13.
Variant type: Deletion.
Coding change: c.2988-20_2988del on transcript NM_177438.3 (MANE Select); 20 bases into the intron before coding-DNA position 2988 through coding-DNA position 2988, 21 bases deleted (TTGTTTTGGAATTCTTACAGA).
Molecular consequence: splice acceptor variant.
Genome position (GRCh38, 1-based): chr14:95,105,783-95,105,803, TCTGTAAGAATTCCAAAACAA deleted on the plus strand (TTGTTTTGGAATTCTTACAGA on the coding strand, the reverse complement: DICER1 is on the minus strand); deleting any 21 consecutive bases within chr14:95,105,783-95,105,804 gives the same sequence; the c. name uses the placement nearest the transcript's 3' end. VCF-style (leftmost placement, unchanged base first): chr14-95105782-GTCTGTAAGAATTCCAAAACAA-G. GRCh37 (hg19) VCF-style: chr14-95572119-GTCTGTAAGAATTCCAAAACAA-G.
Other names: c.2988-20_2988del (NM_001291628.2, NM_030621.4, NM_001271282.3 and 1 more transcripts).
Identifiers: ClinVar variation 660444 (VCV000660444.8), dbSNP rs1595372924, ClinGen allele CA915946380.

ClinVar aggregate classification (germline): Pathogenic (1 of 4 stars; one submission).

Conditions:
DICER1-related tumor predisposition. Also called: DICER1 syndrome; DICER1-related pleuropulmonary blastoma cancer predisposition syndrome. Identifiers: Orphanet 284343, MedGen C3839822, MONDO:0100216.

Submission:

Labcorp Genetics (formerly Invitae), Labcorp
Classification: Pathogenic for DICER1-related tumor predisposition. Last evaluated: 2018-09-20. Review status: criteria provided, single submitter. Criteria: Invitae Variant Classification Sherloc (09022015). Collection method: clinical testing. Allele origin: germline.
Comment: For these reasons, this variant has been classified as Pathogenic. Donor and acceptor splice site variants typically lead to a loss of protein function (PMID: 16199547), and loss-of-function variants in DICER1 are known to be pathogenic (PMID: 19556464, 21266384). This variant is not present in population databases (ExAC no frequency). This sequence change affects acceptor splice site in intron 18 of the DICER1 gene. It is expected to disrupt RNA splicing and likely results in an absent or disrupted protein product.

Literature cited by the submitters: PubMed 16199547; PubMed 19556464; PubMed 21266384.